The following is an entry in ClinVar:

NM_015909.4(NBAS):c.4124A>G (p.His1375Arg)

Gene: NBAS (NBAS subunit of NRZ tethering complex; minus strand). Cytogenetic location: 2p24.3.
Variant type: single nucleotide variant.
Coding change: c.4124A>G on transcript NM_015909.4 (MANE Select); coding-DNA position 4124, A replaced by G.
Protein change: p.His1375Arg; replaces histidine 1375 with arginine.
Molecular consequence: missense variant. On other transcripts: non-coding transcript variant (1).
Genome position (GRCh38, 1-based): chr2:15,352,047, T>C on the plus strand (A>G on the coding strand, the complement: NBAS is on the minus strand). VCF-style: chr2-15352047-T-C. GRCh37 (hg19) VCF-style: chr2-15492171-T-C.
Other names: c.4124A>G (NM_015909.2); short protein forms H1375R.
Identifiers: ClinVar variation 1494418 (VCV001494418.7), dbSNP rs746818112, ClinGen allele CA1535780.

ClinVar aggregate classification (germline): Conflicting classifications of pathogenicity. Review status: criteria provided, conflicting classifications (1 of 4 stars). 2 submissions from 2 submitters: Uncertain significance (1); Likely benign (1). Last evaluated 2025-02-14.

Conditions:
Inborn genetic diseases. Identifiers: MedGen C0950123, MeSH D030342.

Allele frequency attached by ClinVar (database versions not stated): ExAC 0.00001; gnomAD exomes below 0.00001.
gnomAD v4.1: 1 of 1,611,688 alleles (0.000062%); highest among the groups gnomAD compares: Non-Finnish European, 0.000085%; no homozygotes.

Submissions (2):

Ambry Genetics
Classification: Likely benign for Inborn genetic diseases. Last evaluated: 2025-02-14. Review status: criteria provided, single submitter. Criteria: Ambry Variant Classification Scheme 2023. Collection method: clinical testing. Allele origin: germline.

Labcorp Genetics (formerly Invitae), Labcorp
Classification: Uncertain significance. Last evaluated: 2022-11-01. Review status: criteria provided, single submitter. Criteria: Invitae Variant Classification Sherloc (09022015). Collection method: clinical testing. Allele origin: germline.
Comment: Advanced modeling of protein sequence and biophysical properties (such as structural, functional, and spatial information, amino acid conservation, physicochemical variation, residue mobility, and thermodynamic stability) performed at Invitae indicates that this missense variant is not expected to disrupt NBAS protein function. In summary, the available evidence is currently insufficient to determine the role of this variant in disease. Therefore, it has been classified as a Variant of Uncertain Significance. ClinVar contains an entry for this variant (Variation ID: 1494418). This variant has not been reported in the literature in individuals affected with NBAS-related conditions. This variant is present in population databases (rs746818112, gnomAD 0.0009%). This sequence change replaces histidine, which is basic and polar, with arginine, which is basic and polar, at codon 1375 of the NBAS protein (p.His1375Arg).